The following is an entry in ClinVar:

ClinVar aggregate classification (germline): Uncertain significance. Review status: criteria provided, multiple submitters, no conflicts (2 of 4 stars). 2 submissions from 2 submitters: Uncertain significance (2). Last evaluated 2024-09-14.

Conditions:
Immunodeficiency 104. Also called: Severe Combined Immune Deficiency, Autosomal Recessive, TCell -Negative, B Cell-Positive, NK Cell-Positive, IL7R-Related; Severe combined immunodeficiency, autosomal recessive, T cell-negative, B cell-positive, NK cell-positive; IMMUNODEFICIENCY 104, SEVERE COMBINED; SCID, AUTOSOMAL RECESSIVE, T CELL-NEGATIVE, B CELL-POSITIVE, NK CELL-POSITIVE. Identifiers: MedGen C5676890, MONDO:0012163, OMIM 608971.
Inborn genetic diseases. Identifiers: MedGen C0950123, MeSH D030342.

Allele frequency attached by ClinVar (database versions not stated): ExAC 0.00001; TOPMed 0.00001; gnomAD exomes 0.00002 and 0.00004; gnomAD 0.00003.
gnomAD v4.1: 28 of 1,611,820 alleles (0.0017%); highest among the groups gnomAD compares: South Asian, 0.022%; no homozygotes.

Submissions (2):

Labcorp Genetics (formerly Invitae), Labcorp
Classification: Uncertain significance for Immunodeficiency 104. Last evaluated: 2024-09-14. Review status: criteria provided, single submitter. Criteria: Invitae Variant Classification Sherloc (09022015). Collection method: clinical testing. Allele origin: germline.
Comment: This sequence change replaces threonine, which is neutral and polar, with asparagine, which is neutral and polar, at codon 1042 of the PTPRC protein (p.Thr1042Asn). This variant is present in population databases (rs200078132, gnomAD 0.03%), including at least one homozygous and/or hemizygous individual. This variant has not been reported in the literature in individuals affected with PTPRC-related conditions. ClinVar contains an entry for this variant (Variation ID: 1439404). An algorithm developed to predict the effect of missense changes on protein structure and function (PolyPhen-2) suggests that this variant is likely to be disruptive. In summary, the available evidence is currently insufficient to determine the role of this variant in disease. Therefore, it has been classified as a Variant of Uncertain Significance.

Ambry Genetics
Classification: Uncertain significance for Inborn genetic diseases. Last evaluated: 2023-02-13. Review status: criteria provided, single submitter. Criteria: Ambry Variant Classification Scheme 2023. Collection method: clinical testing. Allele origin: germline.

NM_002838.5(PTPRC):c.3125C>A (p.Thr1042Asn)

Gene: PTPRC (protein tyrosine phosphatase receptor type C; plus strand). Cytogenetic location: 1q32.1.
Variant type: single nucleotide variant.
Coding change: c.3125C>A on transcript NM_002838.5 (MANE Select); coding-DNA position 3125, C replaced by A.
Protein change: p.Thr1042Asn; replaces threonine 1042 with asparagine.
Molecular consequence: missense variant.
Genome position (GRCh38, 1-based): chr1:198,750,544, C>A. VCF-style: chr1-198750544-C-A. GRCh37 (hg19) VCF-style: chr1-198719673-C-A.
Other names: c.3119C>A (NM_002838.3); c.2642C>A, p.Thr881Asn (NM_080921.4); short protein forms T1042N, T881N.
Identifiers: ClinVar variation 1439404 (VCV001439404.6), dbSNP rs200078132, ClinGen allele CA1315356.
Genomic context (GRCh38, chr1:198,750,544, plus strand): 5'-CTAAAAAGAGCTACTGGAAACCTGAAGTGATGATTGCTGCTCAGGGACCACTGAAGGAGA[C>A]CATTGGTGACTTTTGGCAGATGATCTTCCAAAGAAAAGTCAAAGTTATTGTTATGCTGAC-3'
Protein context (NP_002829.3, residues 1032-1052): MIAAQGPLKE[Thr1042Asn]IGDFWQMIFQ